The following is an entry in ClinVar:

NM_000322.5(PRPH2):c.829-3_829-1del

Gene: PRPH2 (peripherin 2; minus strand). Cytogenetic location: 6p21.1.
Variant type: Deletion.
Coding change: c.829-3_829-1del on transcript NM_000322.5 (MANE Select); 3 bases into the intron before coding-DNA position 829 through the canonical splice acceptor site of the intron before coding-DNA position 829, 3 bases deleted (CAG; older notation c.829-3_829-1delCAG).
Molecular consequence: splice acceptor variant.
Genome position (GRCh38, 1-based): chr6:42,698,508-42,698,510, CTG deleted on the plus strand (CAG on the coding strand, the reverse complement: PRPH2 is on the minus strand). VCF-style (leftmost placement, unchanged base first): chr6-42698507-CCTG-C. GRCh37 (hg19) VCF-style: chr6-42666245-CCTG-C.
Identifiers: ClinVar variation 1175232 (VCV001175232.2), dbSNP rs2152003876, ClinGen allele CA2499218263.

ClinVar aggregate classification (germline): Likely pathogenic. Review status: criteria provided, single submitter (1 of 4 stars). 2 submissions from 2 submitters: Likely pathogenic (1). 1 of the submissions does not count toward it. Last evaluated 2019-01-01.

Conditions:
Retinal dystrophy. Also called: Inherited retinal dystrophy. Identifiers: Orphanet 71862, MedGen C0854723, MeSH D058499, MONDO:0019118, HP:0000556.

Submissions (2):

Institute of Human Genetics, Univ. Regensburg, Univ. Regensburg
Classification: Likely pathogenic for Retinal dystrophy. Last evaluated: 2019-01-01. Review status: criteria provided, single submitter. Criteria: ACMG Guidelines, 2015. Collection method: clinical testing. Allele origin: germline. Affected: yes.

Leiden Open Variation Database
Classification: Pathogenic. Last evaluated: 2021-04-06. Review status: no assertion criteria provided. Collection method: curation. Allele origin: germline. Affected: yes. Not counted in ClinVar's aggregate classification.
Comment: Curator: Global Variome, with Curator vacancy. Submitter to LOVD: Manon Peeters.

Literature cited by the submitters: PubMed 34411390 (cited by Institute of Human Genetics, Univ. Regensburg, Univ. Regensburg).